The following is an entry in ClinVar:

NM_152641.4(ARID2):c.5012G>A (p.Gly1671Asp)

Gene: ARID2 (AT-rich interaction domain 2; plus strand). Cytogenetic location: 12q12.
Variant type: single nucleotide variant.
Coding change: c.5012G>A on transcript NM_152641.4 (MANE Select); coding-DNA position 5012, G replaced by A.
Protein change: p.Gly1671Asp; replaces glycine 1671 with aspartic acid.
Molecular consequence: missense variant.
Genome position (GRCh38, 1-based): chr12:45,891,869, G>A. VCF-style: chr12-45891869-G-A. GRCh37 (hg19) VCF-style: chr12-46285652-G-A.
Other names: c.5012G>A, p.Gly1671Asp (NM_001347839.2); short protein forms G1671D.
Identifiers: ClinVar variation 2578679 (VCV002578679.25), dbSNP rs2138232446, ClinGen allele CA384498041.
Genomic context (GRCh38, chr12:45,891,869, plus strand): 5'-ACCATGCAGCAACTGAACATGGAGGAAAAGATGTATATCCAGGGCAGTGTCTTTGGGAAG[G>A]TTGTGAGCCTTTTCAGCGACAGCGGTTTTCTTTTATTACCCACTTGCAGGTACACTTTTT-3'
Protein context (NP_689854.2, residues 1661-1681): DVYPGQCLWE[Gly1671Asp]CEPFQRQRFS

ClinVar aggregate classification (germline): Uncertain significance (1 of 4 stars; one submission).

Submission:

CeGaT Center for Human Genetics Tuebingen
Classification: Uncertain significance. Last evaluated: 2023-07-01. Review status: criteria provided, single submitter. Criteria: CeGaT Center For Human Genetics Tuebingen Variant Classification Criteria Version 2. Collection method: clinical testing. Allele origin: germline. Affected: yes. Observed: 1 variant allele.
Comment: ARID2: PM2, PS2:Supporting